The following is an entry in ClinVar:

ClinVar aggregate classification (germline): Conflicting classifications of pathogenicity. Review status: criteria provided, conflicting classifications (1 of 4 stars). 5 submissions from 4 submitters: Likely pathogenic (1); Uncertain significance (4). Last evaluated 2024-12-23.

Conditions:
Congenital myasthenic syndrome (CMS). Also called: Congenital Myasthenic Syndromes. Identifiers: Orphanet 590, MedGen C0751882, MeSH D020294, MONDO:0018940.
Lethal multiple pterygium syndrome (LMPS). Identifiers: Orphanet 33108, MedGen C1854678, MONDO:0009668, OMIM 253290.
CHRNA1-related disorders.

Allele frequency attached by ClinVar (database versions not stated): TOPMed 0.00002.
gnomAD v4.1: 54 of 1,613,916 alleles (0.0033%); highest among the groups gnomAD compares: Middle Eastern, 0.12%; 1 homozygote.

Submissions (5):

Labcorp Genetics (formerly Invitae), Labcorp
Classification: Uncertain significance for Lethal multiple pterygium syndrome. Last evaluated: 2024-12-23. Review status: criteria provided, single submitter. Criteria: Invitae Variant Classification Sherloc (09022015). Collection method: clinical testing. Allele origin: germline.
Comment: This sequence change replaces arginine, which is basic and polar, with histidine, which is basic and polar, at codon 229 of the CHRNA1 protein (p.Arg229His). This variant is present in population databases (rs137852809, gnomAD 0.01%). This variant has not been reported in the literature in individuals affected with CHRNA1-related conditions. ClinVar contains an entry for this variant (Variation ID: 578690). Invitae Evidence Modeling of protein sequence and biophysical properties (such as structural, functional, and spatial information, amino acid conservation, physicochemical variation, residue mobility, and thermodynamic stability) indicates that this missense variant is expected to disrupt CHRNA1 protein function with a positive predictive value of 80%. In summary, the available evidence is currently insufficient to determine the role of this variant in disease. Therefore, it has been classified as a Variant of Uncertain Significance.

Blueprint Genetics
Classification: Likely pathogenic for CHRNA1-related disorders. Last evaluated: 2023-11-16. Review status: criteria provided, single submitter. Criteria: ACMG Guidelines, 2015. Collection method: clinical testing. Allele origin: germline. Affected: yes. Observed: 5 variant alleles.

Revvity Omics, Revvity
Classification: Uncertain significance. Last evaluated: 2023-10-09. Review status: criteria provided, single submitter. Criteria: ACMG Guidelines, 2015. Collection method: clinical testing. Allele origin: germline.

Illumina Laboratory Services, Illumina
Classification: Uncertain significance for Lethal multiple pterygium syndrome. Last evaluated: 2018-01-12. Review status: criteria provided, single submitter. Criteria: ICSL Variant Classification Criteria 13 December 2019. Collection method: clinical testing. Allele origin: germline.

Illumina Laboratory Services, Illumina
Classification: Uncertain significance for Congenital myasthenic syndrome. Last evaluated: 2018-01-12. Review status: criteria provided, single submitter. Criteria: ICSL Variant Classification Criteria 13 December 2019. Collection method: clinical testing. Allele origin: germline.

NM_000079.4(CHRNA1):c.686G>A (p.Arg229His)

Gene: CHRNA1 (cholinergic receptor nicotinic alpha 1 subunit; minus strand). Cytogenetic location: 2q31.1.
Variant type: single nucleotide variant.
Coding change: c.686G>A on transcript NM_000079.4 (MANE Select); coding-DNA position 686, G replaced by A.
Protein change: p.Arg229His; replaces arginine 229 with histidine.
Molecular consequence: missense variant.
Genome position (GRCh38, 1-based): chr2:174,753,595, C>T on the plus strand (G>A on the coding strand, the complement: CHRNA1 is on the minus strand). VCF-style: chr2-174753595-C-T. GRCh37 (hg19) VCF-style: chr2-175618323-C-T.
Other names: c.761G>A, p.Arg254His (NM_001039523.3); short protein forms R229H, R254H.
Identifiers: ClinVar variation 578690 (VCV000578690.12), dbSNP rs137852809, ClinGen allele CA1974492.